The following is an entry in ClinVar:

ClinVar aggregate classification (germline): Uncertain significance (1 of 4 stars; one submission).

Submission:

GeneDx
Classification: Uncertain significance. Last evaluated: 2024-05-21. Review status: criteria provided, single submitter. Criteria: GeneDx Variant Classification Process June 2021. Collection method: clinical testing. Allele origin: germline. Affected: yes.
Comment: Not observed at significant frequency in large population cohorts (gnomAD); In silico analysis supports that this missense variant has a deleterious effect on protein structure/function; Has not been previously published as pathogenic or benign to our knowledge; This variant is associated with the following publications: (PMID: 25512093, 25609763, 26100331)

NM_001376.5(DYNC1H1):c.9265T>C (p.Cys3089Arg)

Genes: DYNC1H1 (dynein cytoplasmic 1 heavy chain 1; plus strand), LOC126862060 (BRD4-independent group 4 enhancer GRCh37_chr14:102493659-102494858; plus strand). Cytogenetic location: 14q32.31.
Variant type: single nucleotide variant.
Coding change: c.9265T>C on transcript NM_001376.5 (MANE Select); coding-DNA position 9265, T replaced by C.
Protein change: p.Cys3089Arg; replaces cysteine 3089 with arginine.
Molecular consequence: missense variant.
Genome position (GRCh38, 1-based): chr14:102,027,938, T>C. VCF-style: chr14-102027938-T-C. GRCh37 (hg19) VCF-style: chr14-102494275-T-C.
Other names: short protein forms C3089R.
Identifiers: ClinVar variation 3383461 (VCV003383461.1).